The following is an entry in ClinVar:

NM_003900.5(SQSTM1):c.1084G>A (p.Glu362Lys)

Gene: SQSTM1 (sequestosome 1; plus strand). Cytogenetic location: 5q35.3.
Variant type: single nucleotide variant.
Coding change: c.1084G>A on transcript NM_003900.5 (MANE Select); coding-DNA position 1084, G replaced by A.
Protein change: p.Glu362Lys; replaces glutamic acid 362 with lysine.
Molecular consequence: missense variant.
Genome position (GRCh38, 1-based): chr5:179,833,701, G>A. VCF-style: chr5-179833701-G-A. GRCh37 (hg19) VCF-style: chr5-179260701-G-A.
Other names: c.832G>A, p.Glu278Lys (NM_001142298.2, NM_001142299.2); short protein forms E362K, E278K.
Identifiers: ClinVar variation 655119 (VCV000655119.11), dbSNP rs535932454, ClinGen allele CA3600794.

ClinVar aggregate classification (germline): Uncertain significance. Review status: criteria provided, multiple submitters, no conflicts (2 of 4 stars). 3 submissions from 3 submitters: Uncertain significance (3). Last evaluated 2025-05-02.

Conditions:
Frontotemporal dementia and/or amyotrophic lateral sclerosis 1 (FTDALS1). Also called: Frontotemporal dementia with motor neuron disease 1; C9orf72 Frontotemporal Dementia and/or Amyotrophic Lateral Sclerosis. Identifiers: Orphanet 275872, MedGen C5779877, MONDO:0007105, OMIM 105550.
Paget disease of bone 2, early-onset (PDB2). Also called: Paget disease of bone 2. Identifiers: MedGen C4085251, MONDO:0011183, OMIM 602080.

Allele frequency attached by ClinVar (database versions not stated): ExAC 0.00003; gnomAD exomes 0.00003 and 0.00002; gnomAD 0.00001 and 0.00002; TOPMed 0.00002; 1000 Genomes Project 30x 0.00016; 1000 Genomes Project 0.00020.
gnomAD v4.1: 29 of 1,614,136 alleles (0.0018%); highest among the groups gnomAD compares: Middle Eastern, 0.016%; no homozygotes.

Submissions (3):

GeneDx
Classification: Uncertain significance. Last evaluated: 2025-05-02. Review status: criteria provided, single submitter. Criteria: GeneDx Variant Classification Process June 2021. Collection method: clinical testing. Allele origin: germline. Affected: yes.
Comment: Reported in patients with amyotrophic lateral sclerosis, early-onset Alzheimer disease, or behavioral variant frontotemporal dementia in published literature (PMID: 31859009, 33973882, 38872230); In silico analysis suggests that this missense variant does not alter protein structure/function; Also known as p.(E278K); This variant is associated with the following publications: (PMID: 33973882, 39149795, 35964197, 35896380, 38872230, 24899140, 31859009)

Labcorp Genetics (formerly Invitae), Labcorp
Classification: Uncertain significance for Paget disease of bone 2, early-onset; Frontotemporal dementia and/or amyotrophic lateral sclerosis 1. Last evaluated: 2024-10-27. Review status: criteria provided, single submitter. Criteria: Invitae Variant Classification Sherloc (09022015). Collection method: clinical testing. Allele origin: germline.
Comment: This sequence change replaces glutamic acid, which is acidic and polar, with lysine, which is basic and polar, at codon 362 of the SQSTM1 protein (p.Glu362Lys). This variant is present in population databases (rs535932454, gnomAD 0.007%), including at least one homozygous and/or hemizygous individual. This missense change has been observed in individual(s) with amyotrophic lateral sclerosis or Alzheimer's disease (PMID: 31859009, 33973882, 35896380, 35964197). This variant is also known as E278K. ClinVar contains an entry for this variant (Variation ID: 655119). Invitae Evidence Modeling of protein sequence and biophysical properties (such as structural, functional, and spatial information, amino acid conservation, physicochemical variation, residue mobility, and thermodynamic stability) indicates that this missense variant is not expected to disrupt SQSTM1 protein function with a negative predictive value of 80%. In summary, the available evidence is currently insufficient to determine the role of this variant in disease. Therefore, it has been classified as a Variant of Uncertain Significance.

Breakthrough Genomics
Classification: Uncertain significance. Review status: criteria provided, single submitter. Criteria: ACMG Guidelines, 2015. Collection method: not provided. Allele origin: germline. Inheritance: Autosomal recessive inheritance. Affected: yes.

Literature cited by the submitters: PubMed 31859009 (cited by Labcorp Genetics (formerly Invitae), Labcorp); PubMed 33973882 (cited by Labcorp Genetics (formerly Invitae), Labcorp); PubMed 35896380 (cited by Labcorp Genetics (formerly Invitae), Labcorp); PubMed 35964197 (cited by Labcorp Genetics (formerly Invitae), Labcorp).